The following is an entry in ClinVar:

NM_138295.5(PKD1L1):c.6199G>A (p.Gly2067Arg)

Gene: PKD1L1 (polycystin 1 like 1, transient receptor potential channel interacting; minus strand). Cytogenetic location: 7p12.3.
Variant type: single nucleotide variant.
Coding change: c.6199G>A on transcript NM_138295.5 (MANE Select); coding-DNA position 6199, G replaced by A.
Protein change: p.Gly2067Arg; replaces glycine 2067 with arginine.
Molecular consequence: missense variant.
Genome position (GRCh38, 1-based): chr7:47,833,228, C>T on the plus strand (G>A on the coding strand, the complement: PKD1L1 is on the minus strand). VCF-style: chr7-47833228-C-T. GRCh37 (hg19) VCF-style: chr7-47872826-C-T.
Other names: short protein forms G2067R.
Identifiers: ClinVar variation 3000933 (VCV003000933.3), dbSNP rs1785385562, ClinGen allele CA367481566.

ClinVar aggregate classification (germline): Uncertain significance (1 of 4 stars; one submission).

Allele frequency attached by ClinVar (database versions not stated): gnomAD exomes below 0.00001; TOPMed below 0.00001.
gnomAD v4.1: 4 of 1,613,048 alleles (0.00025%); highest among the groups gnomAD compares: Non-Finnish European, 0.00034%; no homozygotes.

Submission:

Labcorp Genetics (formerly Invitae), Labcorp
Classification: Uncertain significance. Last evaluated: 2023-07-30. Review status: criteria provided, single submitter. Criteria: Invitae Variant Classification Sherloc (09022015). Collection method: clinical testing. Allele origin: germline.
Comment: This sequence change replaces glycine, which is neutral and non-polar, with arginine, which is basic and polar, at codon 2067 of the PKD1L1 protein (p.Gly2067Arg). This variant is not present in population databases (gnomAD no frequency). This variant has not been reported in the literature in individuals affected with PKD1L1-related conditions. Advanced modeling of protein sequence and biophysical properties (such as structural, functional, and spatial information, amino acid conservation, physicochemical variation, residue mobility, and thermodynamic stability) performed at Invitae indicates that this missense variant is not expected to disrupt PKD1L1 protein function. In summary, the available evidence is currently insufficient to determine the role of this variant in disease. Therefore, it has been classified as a Variant of Uncertain Significance.